The following is an entry in ClinVar:

NM_001031689.3(PLAA):c.505G>A (p.Gly169Arg)

Gene: PLAA (phospholipase A2 activating protein; minus strand). Cytogenetic location: 9p21.2.
Variant type: single nucleotide variant.
Coding change: c.505G>A on transcript NM_001031689.3 (MANE Select); coding-DNA position 505, G replaced by A.
Protein change: p.Gly169Arg; replaces glycine 169 with arginine.
Molecular consequence: missense variant.
Genome position (GRCh38, 1-based): chr9:26,928,160, C>T on the plus strand (G>A on the coding strand, the complement: PLAA is on the minus strand). VCF-style: chr9-26928160-C-T. GRCh37 (hg19) VCF-style: chr9-26928158-C-T.
Other names: c.505G>A, p.Gly169Arg (NM_001321546.2); short protein forms G169R.
Identifiers: ClinVar variation 4853648 (VCV004853648.1).

ClinVar aggregate classification (germline): Uncertain significance (1 of 4 stars; one submission).

Submission:

Women's Health and Genetics/Laboratory Corporation of America, LabCorp
Classification: Uncertain significance. Last evaluated: 2026-05-27. Review status: criteria provided, single submitter. Criteria: LabCorp Variant Classification Summary - May 2015. Collection method: clinical testing. Allele origin: germline.
Comment: Variant summary: PLAA c.505G>A (p.Gly169Arg) results in a non-conservative amino acid change in the encoded protein sequence. Algorithms developed to predict the effect of missense changes on protein structure and function all suggest that this variant is likely to be disruptive. The variant was absent in 251454 control chromosomes. The available data on variant occurrences in the general population are insufficient to allow any conclusion about variant significance. To our knowledge, no occurrence of c.505G>A in individuals affected with PLAA-related conditions and no experimental evidence demonstrating its impact on protein function have been reported. No submitters have cited clinical-significance assessments for this variant to ClinVar. Based on the evidence outlined above, the variant was classified as uncertain significance.